The following is an entry in ClinVar:

ClinVar aggregate classification (germline): Uncertain significance. Review status: criteria provided, multiple submitters, no conflicts (2 of 4 stars). 2 submissions from 2 submitters: Uncertain significance (2). Last evaluated 2022-04-14.

Submissions (2):

Women's Health and Genetics/Laboratory Corporation of America, LabCorp
Classification: Uncertain significance. Last evaluated: 2022-04-14. Review status: criteria provided, single submitter. Criteria: LabCorp Variant Classification Summary - May 2015. Collection method: clinical testing. Allele origin: germline.
Comment: Variant summary: RASGRP1 c.3G>A (p.Met1?, aka p.Met1Ile) alters the initiation codon and is predicted to result either in absence of the protein or truncation of the encoded protein due to translation initiation at a downstream codon. The variant was absent in 72162 control chromosomes (gnomAD). The available data on variant occurrences in the general population are insufficient to allow any conclusion about variant significance. To our knowledge, no occurrence of c.3G>A in individuals affected with Immunodeficiency 64 and no experimental evidence demonstrating its impact on protein function have been reported. No clinical diagnostic laboratories have submitted clinical-significance assessments for this variant to ClinVar after 2014. Based on the evidence outlined above, the variant was classified as uncertain significance.

Labcorp Genetics (formerly Invitae), Labcorp
Classification: Uncertain significance. Last evaluated: 2022-04-12. Review status: criteria provided, single submitter. Criteria: Invitae Variant Classification Sherloc (09022015). Collection method: clinical testing. Allele origin: germline.
Comment: This variant is not present in population databases (gnomAD no frequency). This sequence change affects the initiator methionine of the RASGRP1 mRNA. The next in-frame methionine is located at codon 49. This variant has not been reported in the literature in individuals affected with RASGRP1-related conditions. Experimental studies and prediction algorithms are not available or were not evaluated, and the functional significance of this variant is currently unknown. In summary, the available evidence is currently insufficient to determine the role of this variant in disease. Therefore, it has been classified as a Variant of Uncertain Significance.

NM_005739.4(RASGRP1):c.3G>A (p.Met1Ile)

Genes: RASGRP1 (RAS guanyl releasing protein 1; minus strand), LOC130056800 (ATAC-STARR-seq lymphoblastoid silent region 6307; plus strand). Cytogenetic location: 15q14.
Variant type: single nucleotide variant.
Coding change: c.3G>A on transcript NM_005739.4 (MANE Select); coding-DNA position 3, G replaced by A.
Protein change: p.Met1Ile; changes the start codon (methionine 1).
Molecular consequence: missense variant, initiator codon variant.
Genome position (GRCh38, 1-based): chr15:38,564,626, C>T on the plus strand (G>A on the coding strand, the complement: RASGRP1 is on the minus strand). VCF-style: chr15-38564626-C-T. GRCh37 (hg19) VCF-style: chr15-38856827-C-T.
Other names: c.3G>A, p.Met1Ile (NM_001128602.2, NM_001306086.2); short protein forms M1I.
Identifiers: ClinVar variation 1683315 (VCV001683315.7), dbSNP rs1269034575, ClinGen allele CA391663854.